The following is an entry in ClinVar:

NM_001161352.2(KCNMA1):c.1334A>C (p.Asn445Thr)

Gene: KCNMA1 (potassium calcium-activated channel subfamily M alpha 1; minus strand). Cytogenetic location: 10q22.3.
Variant type: single nucleotide variant.
Coding change: c.1334A>C on transcript NM_001161352.2 (MANE Select); coding-DNA position 1334, A replaced by C.
Protein change: p.Asn445Thr; replaces asparagine 445 with threonine.
Molecular consequence: missense variant.
Genome position (GRCh38, 1-based): chr10:77,090,400, T>G on the plus strand (A>C on the coding strand, the complement: KCNMA1 is on the minus strand). VCF-style: chr10-77090400-T-G. GRCh37 (hg19) VCF-style: chr10-78850158-T-G.
Other names: c.1334A>C, p.Asn445Thr (NM_001014797.3, NM_001161353.2, NM_001271519.2 and 9 more transcripts); c.1172A>C, p.Asn391Thr (NM_001271518.2); c.794A>C, p.Asn265Thr (NM_001322838.2); c.1466A>C, p.Asn489Thr (NM_001437422.1); short protein forms N445T, N265T, N391T, N489T.
Identifiers: ClinVar variation 4781254 (VCV004781254.1).

ClinVar aggregate classification (germline): Uncertain significance (1 of 4 stars; one submission).

Conditions:
Generalized epilepsy-paroxysmal dyskinesia syndrome (PNKD3). Also called: Generalized epilepsy and paroxysmal dyskinesia; Paroxysmal nonkinesigenic dyskinesia, 3, with or without generalized epilepsy. Identifiers: Orphanet 79137, MedGen C5574945, MONDO:0012276, OMIM 609446.

Submission:

Labcorp Genetics (formerly Invitae), Labcorp
Classification: Uncertain significance for Generalized epilepsy-paroxysmal dyskinesia syndrome. Last evaluated: 2025-10-29. Review status: criteria provided, single submitter. Criteria: Invitae Variant Classification Sherloc (09022015). Collection method: clinical testing. Allele origin: germline.
Comment: This sequence change replaces asparagine, which is neutral and polar, with threonine, which is neutral and polar, at codon 445 of the KCNMA1 protein (p.Asn445Thr). This variant is not present in population databases (gnomAD no frequency). This variant has not been reported in the literature in individuals affected with KCNMA1-related conditions. An algorithm developed to predict the effect of missense changes on protein structure and function (PolyPhen-2) suggests that this variant is likely to be tolerated. In summary, the available evidence is currently insufficient to determine the role of this variant in disease. Therefore, it has been classified as a Variant of Uncertain Significance.